The following is an entry in ClinVar:

ClinVar aggregate classification (germline): Uncertain significance (1 of 4 stars; one submission).

Submission:

Ambry Genetics
Classification: Uncertain significance. Last evaluated: 2021-08-13. Review status: criteria provided, single submitter. Criteria: Ambry Variant Classification Scheme 2023. Collection method: clinical testing. Allele origin: germline.
Comment: The p.I1785N variant (also known as c.5354T>A), located in coding exon 40 of the PRKDC gene, results from a T to A substitution at nucleotide position 5354. The isoleucine at codon 1785 is replaced by asparagine, an amino acid with dissimilar properties. This amino acid position is conserved. Since supporting evidence is limited at this time, the clinical significance of this alteration remains unclear.

NM_006904.7(PRKDC):c.5354T>A (p.Ile1785Asn)

Gene: PRKDC (protein kinase, DNA-activated, catalytic subunit; minus strand). Cytogenetic location: 8q11.21.
Variant type: single nucleotide variant.
Coding change: c.5354T>A on transcript NM_006904.7 (MANE Select); coding-DNA position 5354, T replaced by A.
Protein change: p.Ile1785Asn; replaces isoleucine 1785 with asparagine.
Molecular consequence: missense variant.
Genome position (GRCh38, 1-based): chr8:47,877,733, A>T on the plus strand (T>A on the coding strand, the complement: PRKDC is on the minus strand). VCF-style: chr8-47877733-A-T. GRCh37 (hg19) VCF-style: chr8-48790294-A-T.
Other names: c.5354T>A, p.Ile1785Asn (NM_001081640.2); short protein forms I1785N.
Identifiers: ClinVar variation 1747024 (VCV001747024.2), dbSNP rs2089119099, ClinGen allele CA371137515.